The following is an entry in ClinVar:

NM_002168.4(IDH2):c.1179-3T>A

Gene: IDH2 (isocitrate dehydrogenase (NADP(+)) 2; minus strand). Cytogenetic location: 15q26.1.
Variant type: single nucleotide variant.
Coding change: c.1179-3T>A on transcript NM_002168.4 (MANE Select); 3 bases into the intron before coding-DNA position 1179, T replaced by A.
Molecular consequence: intron variant.
Genome position (GRCh38, 1-based): chr15:90,084,911, A>T on the plus strand (T>A on the coding strand, the complement: IDH2 is on the minus strand). VCF-style: chr15-90084911-A-T. GRCh37 (hg19) VCF-style: chr15-90628143-A-T.
Other names: c.789-3T>A (NM_001290114.2); c.1023-3T>A (NM_001289910.1).
Identifiers: ClinVar variation 1347799 (VCV001347799.7), dbSNP rs772170724, ClinGen allele CA7732925.

ClinVar aggregate classification (germline): Conflicting classifications of pathogenicity. Review status: criteria provided, conflicting classifications (1 of 4 stars). 2 submissions from 2 submitters: Uncertain significance (1); Benign (1). Last evaluated 2023-10-11.

Conditions:
D-2-hydroxyglutaric aciduria 2 (D2HGA2). Identifiers: Orphanet 79315, MedGen C3150909, MONDO:0013345, OMIM 613657.

Allele frequency attached by ClinVar (database versions not stated): gnomAD exomes below 0.00001; TOPMed below 0.00001; ExAC 0.00001.
gnomAD v4.1: 2 of 1,613,670 alleles (0.00012%); highest among the groups gnomAD compares: Admixed American, 0.0017%; no homozygotes.

Submissions (2):

Labcorp Genetics (formerly Invitae), Labcorp
Classification: Uncertain significance for D-2-hydroxyglutaric aciduria 2. Last evaluated: 2023-10-11. Review status: criteria provided, single submitter. Criteria: Invitae Variant Classification Sherloc (09022015). Collection method: clinical testing. Allele origin: germline.
Comment: This sequence change falls in intron 9 of the IDH2 gene. It does not directly change the encoded amino acid sequence of the IDH2 protein. It affects a nucleotide within the consensus splice site. This variant is present in population databases (rs772170724, gnomAD 0.003%). This variant has not been reported in the literature in individuals affected with IDH2-related conditions. ClinVar contains an entry for this variant (Variation ID: 1347799). Variants that disrupt the consensus splice site are a relatively common cause of aberrant splicing (PMID: 17576681, 9536098). Algorithms developed to predict the effect of sequence changes on RNA splicing suggest that this variant is not likely to affect RNA splicing. In summary, the available evidence is currently insufficient to determine the role of this variant in disease. Therefore, it has been classified as a Variant of Uncertain Significance.

Mendelics
Classification: Benign. Last evaluated: 2022-05-04. Review status: criteria provided, single submitter. Criteria: Mendelics Assertion Criteria 2019. Collection method: clinical testing. Allele origin: germline.

Literature cited by the submitters: PubMed 17576681 (cited by Labcorp Genetics (formerly Invitae), Labcorp); PubMed 9536098 (cited by Labcorp Genetics (formerly Invitae), Labcorp).